The following is an entry in ClinVar:

ClinVar aggregate classification (germline): Benign/Likely benign. Review status: criteria provided, multiple submitters, no conflicts (2 of 4 stars). 6 submissions from 6 submitters: Benign (1); Likely benign (5). Last evaluated 2026-03-01.

Conditions:
Myopathy with abnormal lipid metabolism. Also called: Lipid storage myopathy due to flavin adenine dinucleotide synthetase deficiency. Identifiers: MedGen C4310822, MONDO:0009703, OMIM 255100.

Allele frequency attached by ClinVar (database versions not stated): 1000 Genomes Project 30x 0.00031; 1000 Genomes Project 0.00040; gnomAD exomes 0.00159; ExAC 0.00171; TOPMed 0.00172; gnomAD 0.00173 and 0.00195; ESP Exome Variant Server 0.00231.
gnomAD v4.1: 3,889 of 1,614,252 alleles (0.24%); highest among the groups gnomAD compares: Non-Finnish European, 0.28%; 10 homozygotes.

Submissions (6):

CeGaT Center for Human Genetics Tuebingen
Classification: Likely benign. Last evaluated: 2026-03-01. Review status: criteria provided, single submitter. Criteria: CeGaT Center For Human Genetics Tuebingen Variant Classification Criteria Version 2. Collection method: clinical testing. Allele origin: germline. Affected: yes. Observed: 7 variant alleles.
Comment: FLAD1: BP4, BS1

Labcorp Genetics (formerly Invitae), Labcorp
Classification: Benign. Last evaluated: 2026-01-27. Review status: criteria provided, single submitter. Criteria: Invitae Variant Classification Sherloc (09022015). Collection method: clinical testing. Allele origin: germline.

Mayo Clinic Laboratories, Mayo Clinic
Classification: Likely benign. Last evaluated: 2024-11-14. Review status: criteria provided, single submitter. Criteria: ACMG Guidelines, 2015. Collection method: clinical testing. Allele origin: germline. Observed: 1 variant allele.
Comment: BS1, BP4, BP7

Blueprint Genetics
Classification: Likely benign. Last evaluated: 2024-11-07. Review status: criteria provided, single submitter. Criteria: ACMG Guidelines, 2015. Collection method: clinical testing. Allele origin: germline.

Fulgent Genetics
Classification: Likely benign for Myopathy with abnormal lipid metabolism. Last evaluated: 2022-01-28. Review status: criteria provided, single submitter. Criteria: ACMG Guidelines, 2015. Collection method: clinical testing. Allele origin: unknown.

GeneDx
Classification: Likely benign. Last evaluated: 2021-10-12. Review status: criteria provided, single submitter. Criteria: GeneDx Variant Classification Process June 2021. Collection method: clinical testing. Allele origin: germline. Affected: yes.

NM_025207.5(FLAD1):c.729C>T (p.Phe243=)

Gene: FLAD1 (flavin adenine dinucleotide synthetase 1; plus strand). Cytogenetic location: 1q21.3.
Variant type: single nucleotide variant.
Coding change: c.729C>T on transcript NM_025207.5 (MANE Select); coding-DNA position 729, C replaced by T.
Protein change: p.Phe243=; no amino-acid change (phenylalanine 243 retained).
Molecular consequence: synonymous variant.
Genome position (GRCh38, 1-based): chr1:154,988,461, C>T. VCF-style: chr1-154988461-C-T. GRCh37 (hg19) VCF-style: chr1-154960937-C-T.
Other names: p.Phe243=; c.438C>T, p.Phe146= (NM_001184891.2, NM_201398.3); c.432C>T, p.Phe144= (NM_001184892.2).
Identifiers: ClinVar variation 382590 (VCV000382590.49), dbSNP rs61736264, ClinGen allele CA1134384.